The following is an entry in ClinVar:

ClinVar aggregate classification (germline): Uncertain significance (1 of 4 stars; one submission).

Submission:

Labcorp Genetics (formerly Invitae), Labcorp
Classification: Uncertain significance. Last evaluated: 2024-10-15. Review status: criteria provided, single submitter. Criteria: Invitae Variant Classification Sherloc (09022015). Collection method: clinical testing. Allele origin: germline.
Comment: This sequence change replaces threonine, which is neutral and polar, with serine, which is neutral and polar, at codon 82 of the RPSA protein (p.Thr82Ser). This variant is not present in population databases (gnomAD no frequency). This variant has not been reported in the literature in individuals affected with RPSA-related conditions. ClinVar contains an entry for this variant (Variation ID: 1374841). Invitae Evidence Modeling of protein sequence and biophysical properties (such as structural, functional, and spatial information, amino acid conservation, physicochemical variation, residue mobility, and thermodynamic stability) indicates that this missense variant is not expected to disrupt RPSA protein function with a negative predictive value of 80%. Algorithms developed to predict the effect of sequence changes on RNA splicing suggest that this variant may disrupt the consensus splice site. In summary, the available evidence is currently insufficient to determine the role of this variant in disease. Therefore, it has been classified as a Variant of Uncertain Significance.

NM_002295.6(RPSA):c.245C>G (p.Thr82Ser)

Gene: RPSA (ribosomal protein SA; plus strand). Cytogenetic location: 3p22.1.
Variant type: single nucleotide variant.
Coding change: c.245C>G on transcript NM_002295.6 (MANE Select); coding-DNA position 245, C replaced by G.
Protein change: p.Thr82Ser; replaces threonine 82 with serine.
Molecular consequence: missense variant.
Genome position (GRCh38, 1-based): chr3:39,408,717, C>G. VCF-style: chr3-39408717-C-G. GRCh37 (hg19) VCF-style: chr3-39450208-C-G.
Other names: c.245C>G, p.Thr82Ser (NM_001304288.2); short protein forms T82S.
Identifiers: ClinVar variation 1374841 (VCV001374841.6), dbSNP rs2125592454, ClinGen allele CA352211712.